The following is an entry in ClinVar:

ClinVar aggregate classification (germline): Benign (1 of 4 stars; one submission).

Conditions:
Leigh syndrome (NULS). Also called: Leigh's necrotizing encephalopathy; Leigh's disease; Leigh's syndrome; LEIGH SYNDROME, NUCLEAR; Leigh Syndrome (mtDNA deletion); Leigh Disease. Identifiers: Orphanet 506, MedGen C2931891, MONDO:0009723, OMIM 256000.

Submission:

Wong Mito Lab, Molecular and Human Genetics, Baylor College of Medicine
Classification: Benign for Leigh syndrome. Last evaluated: 2019-10-17. Review status: criteria provided, single submitter. Criteria: Modified ACMG Guidelines (Unpublished). Collection method: clinical testing. Allele origin: germline.
Comment: The NC_012920.1:m.15651C>T (YP_003024038.1:p.Ala302Val) variant in MTCYB gene is interpretated to be a Benign variant based on the modified ACMG guidelines (unpublished). This variant meets the following evidence codes: BS1, BS2, BP4

NC_012920.1(MT-CYB):m.15651C>T

Gene: MT-CYB (mitochondrially encoded cytochrome b; plus strand).
Variant type: single nucleotide variant.
Genome position: chrM-15651-C-T.
Identifiers: ClinVar variation 693922 (VCV000693922.1), dbSNP rs1603225405, ClinGen allele CA913174463.
Genomic context (GRCh38, chrMT:15,651, plus strand): 5'-GATCCGTCCCTAACAAACTAGGAGGCGTCCTTGCCCTATTACTATCCATCCTCATCCTAG[C>T]AATAATCCCCATCCTCCATATATCCAAACAACAAAGCATAATATTTCGCCCACTAAGCCA-3'